The following is an entry in ClinVar:

ClinVar aggregate classification (germline): Likely benign. Review status: criteria provided, multiple submitters, no conflicts (2 of 4 stars). 4 submissions from 4 submitters: Likely benign (3). 1 of the submissions does not count toward it. Last evaluated 2026-01-17.

Conditions:
KCNQ5-related disorder. Also called: KCNQ5-related condition.

Allele frequency attached by ClinVar (database versions not stated): gnomAD 0.00020 and 0.00021; gnomAD exomes 0.00022 and 0.00047; TOPMed 0.00025; ExAC 0.00026; ESP Exome Variant Server 0.00046.
gnomAD v4.1: 710 of 1,614,092 alleles (0.044%); highest among the groups gnomAD compares: Non-Finnish European, 0.056%; no homozygotes.

Submissions (4):

Labcorp Genetics (formerly Invitae), Labcorp
Classification: Likely benign. Last evaluated: 2026-01-17. Review status: criteria provided, single submitter. Criteria: Invitae Variant Classification Sherloc (09022015). Collection method: clinical testing. Allele origin: germline.

CeGaT Center for Human Genetics Tuebingen
Classification: Likely benign. Last evaluated: 2026-01-01. Review status: criteria provided, single submitter. Criteria: CeGaT Center For Human Genetics Tuebingen Variant Classification Criteria Version 2. Collection method: clinical testing. Allele origin: germline. Affected: yes. Observed: 7 variant alleles.
Comment: KCNQ5: BP4, BP7

Blueprint Genetics
Classification: Likely benign. Last evaluated: 2024-11-11. Review status: criteria provided, single submitter. Criteria: ACMG Guidelines, 2015. Collection method: clinical testing. Allele origin: germline.

PreventionGenetics, part of Exact Sciences
Classification: Likely benign for KCNQ5-related condition. Last evaluated: 2019-09-06. Review status: no assertion criteria provided. Collection method: clinical testing. Allele origin: germline. Not counted in ClinVar's aggregate classification.
Comment: This variant is classified as likely benign based on ACMG/AMP sequence variant interpretation guidelines (Richards et al. 2015 PMID: 25741868, with internal and published modifications).

NM_019842.4(KCNQ5):c.1404C>T (p.Asn468=)

Gene: KCNQ5 (potassium voltage-gated channel subfamily Q member 5; plus strand). Cytogenetic location: 6q13.
Variant type: single nucleotide variant.
Coding change: c.1404C>T on transcript NM_019842.4 (MANE Select); coding-DNA position 1404, C replaced by T.
Protein change: p.Asn468=; no amino-acid change (asparagine 468 retained).
Molecular consequence: synonymous variant. On other transcripts: intron variant (1).
Genome position (GRCh38, 1-based): chr6:73,133,577, C>T. VCF-style: chr6-73133577-C-T. GRCh37 (hg19) VCF-style: chr6-73843300-C-T.
Other names: c.1377C>T, p.Asn459= (NM_001160130.2); c.1434C>T, p.Asn478= (NM_001160132.2); c.1461C>T, p.Asn487= (NM_001160133.2); c.1247+9065C>T (NM_001160134.2); c.1461C>T (NM_001160133.1).
Identifiers: ClinVar variation 1013512 (VCV001013512.45), dbSNP rs143322043, ClinGen allele CA3887039.